The following is an entry in ClinVar:

NM_015346.4(ZFYVE26):c.*1740C>A

Gene: ZFYVE26 (zinc finger FYVE-type containing 26; minus strand). Cytogenetic location: 14q24.1.
Variant type: single nucleotide variant.
Coding change: c.*1740C>A on transcript NM_015346.4 (MANE Select); 1740 bases downstream of the stop codon, C replaced by A.
Molecular consequence: 3 prime UTR variant.
Genome position (GRCh38, 1-based): chr14:67,746,696, G>T on the plus strand (C>A on the coding strand, the complement: ZFYVE26 is on the minus strand). VCF-style: chr14-67746696-G-T. GRCh37 (hg19) VCF-style: chr14-68213413-G-T.
Identifiers: ClinVar variation 313850 (VCV000313850.6), dbSNP rs9449, ClinGen allele CA10644583.

ClinVar aggregate classification (germline): Benign. Review status: criteria provided, multiple submitters, no conflicts (2 of 4 stars). 2 submissions from 2 submitters: Benign (2). Last evaluated 2018-01-13.

Conditions:
Hereditary spastic paraplegia 15 (SPG15). Also called: SPASTIC PARAPLEGIA 15, AUTOSOMAL RECESSIVE; KJELLIN SYNDROME; SPASTIC PARAPLEGIA AND RETINAL DEGENERATION. Identifiers: Orphanet 100996, MedGen C1849128, MONDO:0010044, OMIM 270700.

Allele frequency attached by ClinVar (database versions not stated): gnomAD exomes 0.14368; gnomAD 0.17216 and 0.18502; TOPMed 0.19123; 1000 Genomes Project 30x 0.27826; 1000 Genomes Project 0.28554.
gnomAD v4.1: 28,141 of 152,474 alleles (18%); highest among the groups gnomAD compares: East Asian, 50%; 3,128 homozygotes.

Submissions (2):

Illumina Laboratory Services, Illumina
Classification: Benign for Hereditary spastic paraplegia 15. Last evaluated: 2018-01-13. Review status: criteria provided, single submitter. Criteria: ICSL Variant Classification Criteria 13 December 2019. Collection method: clinical testing. Allele origin: germline.
Comment: This variant was observed in the ICSL laboratory as part of a predisposition screen in an ostensibly healthy population. It had not been previously curated by ICSL or reported in the Human Gene Mutation Database (HGMD: prior to June 1st, 2018), and was therefore a candidate for classification through an automated scoring system. Utilizing variant allele frequency, disease prevalence and penetrance estimates, and inheritance mode, an automated score was calculated to assess if this variant is too frequent to cause the disease. Based on the score and internal cut-off values, a variant classified as benign is not then subjected to further curation. The score for this variant resulted in a classification of benign for this disease.

Breakthrough Genomics
Classification: Benign. Review status: criteria provided, single submitter. Criteria: ACMG Guidelines, 2015. Collection method: not provided. Allele origin: germline. Inheritance: Autosomal recessive inheritance. Affected: yes.